The following is an entry in ClinVar:

NM_001845.6(COL4A1):c.1121-18G>A

Gene: COL4A1 (collagen type IV alpha 1 chain; minus strand). Cytogenetic location: 13q34.
Variant type: single nucleotide variant.
Coding change: c.1121-18G>A on transcript NM_001845.6 (MANE Select); 18 bases into the intron before coding-DNA position 1121, G replaced by A.
Molecular consequence: intron variant.
Genome position (GRCh38, 1-based): chr13:110,198,649, C>T on the plus strand (G>A on the coding strand, the complement: COL4A1 is on the minus strand). VCF-style: chr13-110198649-C-T. GRCh37 (hg19) VCF-style: chr13-110850996-C-T.
Other names: c.1121-18G>A (NM_001303110.2, NM_001845.5).
Identifiers: ClinVar variation 1299803 (VCV001299803.45), dbSNP rs139885514, ClinGen allele CA7048033.

ClinVar aggregate classification (germline): Benign/Likely benign. Review status: criteria provided, multiple submitters, no conflicts (2 of 4 stars). 10 submissions from 10 submitters: Benign (4); Likely benign (2). 4 of the submissions do not count toward it. Last evaluated 2026-09-01.

Conditions:
Microangiopathy and leukoencephalopathy, pontine, autosomal dominant. Also called: Pontine autosomal dominant microangiopathy with leukoencephalopathy; DEMENTIA, HEREDITARY MULTI-INFARCT, SWEDISH TYPE. Identifiers: Orphanet 477749, MedGen C5231411, MONDO:0032814, OMIM 618564.
Autosomal dominant familial hematuria-retinal arteriolar tortuosity-contractures syndrome. Also called: Angiopathy, hereditary, with nephropathy, aneurysms, and muscle cramps; Hereditary Angiopathy with Nephropathy, Aneurysms, and Muscle Cramps (HANAC) Syndrome. Identifiers: Orphanet 73229, MedGen C2673195, MONDO:0012726, OMIM 611773.
Brain small vessel disease 1 with or without ocular anomalies (BSVD1). Also called: PORENCEPHALY, TYPE 1, AUTOSOMAL DOMINANT; GOULD SYNDROME 1; BRAIN SMALL VESSEL DISEASE WITH HEMORRHAGE; Brain small vessel disease with or without ocular anomalies. Identifiers: Orphanet 2940, Orphanet 36383, Orphanet 99810, MedGen C4755307, MONDO:0008289, OMIM 175780.
Hemorrhage, intracerebral, susceptibility to (ICH). Also called: Stroke, hemorrhagic, susceptibility to. Identifiers: MedGen C3281105, MONDO:0100533, OMIM 614519.
Retinal arterial tortuosity. Also called: RETINAL HEMORRHAGE WITH VASCULAR TORTUOSITY; Retinal arteries, tortuosity of. Identifiers: Orphanet 75326, MedGen C0423401, MONDO:0008373, OMIM 180000, HP:0000631.
COL4A1-related disorder. Also called: COL4A1-related disorders; COL4A1-related condition. Identifiers: MedGen CN376119, MONDO:0800461.

Allele frequency attached by ClinVar (database versions not stated): gnomAD exomes 0.00718 and 0.01078; ExAC 0.00750; ESP Exome Variant Server 0.00769; 1000 Genomes Project 30x 0.00344; 1000 Genomes Project 0.00379; TOPMed 0.00629; gnomAD 0.00644 and 0.00648.
gnomAD v4.1: 16,664 of 1,613,806 alleles (1%); highest among the groups gnomAD compares: Non-Finnish European, 1.2%; 122 homozygotes.

Submissions (10):

CeGaT Center for Human Genetics Tuebingen
Classification: Benign. Last evaluated: 2026-09-01. Review status: criteria provided, single submitter. Criteria: CeGaT Center For Human Genetics Tuebingen Variant Classification Criteria Version 2. Collection method: clinical testing. Allele origin: germline. Affected: yes. Observed: 80 variant alleles.
Comment: COL4A1: BS1, BS2

Labcorp Genetics (formerly Invitae), Labcorp
Classification: Benign. Last evaluated: 2026-02-03. Review status: criteria provided, single submitter. Criteria: Invitae Variant Classification Sherloc (09022015). Collection method: clinical testing. Allele origin: germline.

ARUP Laboratories, Molecular Genetics and Genomics, ARUP Laboratories
Classification: Benign. Last evaluated: 2025-04-18. Review status: criteria provided, single submitter. Criteria: ARUP Molecular Germline Variant Investigation Process 2024. Collection method: clinical testing. Allele origin: germline.

Blueprint Genetics
Classification: Likely benign. Last evaluated: 2024-11-27. Review status: criteria provided, single submitter. Criteria: ACMG Guidelines, 2015. Collection method: clinical testing. Allele origin: germline.

Fulgent Genetics
Classification: Likely benign for Brain small vessel disease 1 with or without ocular anomalies; Retinal arterial tortuosity; Autosomal dominant familial hematuria-retinal arteriolar tortuosity-contractures syndrome; Hemorrhage, intracerebral, susceptibility to; Microangiopathy and leukoencephalopathy, pontine, autosomal dominant. Last evaluated: 2022-04-18. Review status: criteria provided, single submitter. Criteria: ACMG Guidelines, 2015. Collection method: clinical testing. Allele origin: unknown.

Breakthrough Genomics
Classification: Benign. Review status: criteria provided, single submitter. Criteria: ACMG Guidelines, 2015. Collection method: not provided. Allele origin: germline. Inheritance: Autosomal dominant inheritance. Affected: yes.

PreventionGenetics, part of Exact Sciences
Classification: Likely benign for COL4A1-related condition. Last evaluated: 2021-02-23. Review status: no assertion criteria provided. Collection method: clinical testing. Allele origin: germline. Not counted in ClinVar's aggregate classification.
Comment: This variant is classified as likely benign based on ACMG/AMP sequence variant interpretation guidelines (Richards et al. 2015 PMID: 25741868, with internal and published modifications).

Clinical Genetics DNA and cytogenetics Diagnostics Lab, Erasmus MC, Erasmus Medical Center
Classification: Benign. Review status: no assertion criteria provided. Collection method: clinical testing. Allele origin: germline. Affected: yes. Study: VKGL Data-share Consensus. Not counted in ClinVar's aggregate classification.

Genome Diagnostics Laboratory, University Medical Center Utrecht
Classification: Likely benign. Review status: no assertion criteria provided. Collection method: clinical testing. Allele origin: germline. Affected: yes. Study: VKGL Data-share Consensus. Not counted in ClinVar's aggregate classification.

Laboratory of Diagnostic Genome Analysis, Leiden University Medical Center (LUMC)
Classification: Likely benign. Review status: no assertion criteria provided. Collection method: clinical testing. Allele origin: germline. Affected: yes. Study: VKGL Data-share Consensus. Not counted in ClinVar's aggregate classification.